The following is an entry in ClinVar:

NM_006059.4(LAMC3):c.2236G>C (p.Ala746Pro)

Gene: LAMC3 (laminin subunit gamma 3; plus strand). Cytogenetic location: 9q34.12.
Variant type: single nucleotide variant.
Coding change: c.2236G>C on transcript NM_006059.4 (MANE Select); coding-DNA position 2236, G replaced by C.
Protein change: p.Ala746Pro; replaces alanine 746 with proline.
Molecular consequence: missense variant.
Genome position (GRCh38, 1-based): chr9:131,061,112, G>C. VCF-style: chr9-131061112-G-C. GRCh37 (hg19) VCF-style: chr9-133936499-G-C.
Other names: short protein forms A746P.
Identifiers: ClinVar variation 1361130 (VCV001361130.4), dbSNP rs900991986, ClinGen allele CA375266933.

ClinVar aggregate classification (germline): Uncertain significance (1 of 4 stars; one submission).

gnomAD v4.1: 2 of 1,613,772 alleles (0.00012%); highest among the groups gnomAD compares: African/African-American, 0.0027%; no homozygotes.

Submission:

Labcorp Genetics (formerly Invitae), Labcorp
Classification: Uncertain significance. Last evaluated: 2024-02-17. Review status: criteria provided, single submitter. Criteria: Invitae Variant Classification Sherloc (09022015). Collection method: clinical testing. Allele origin: germline.
Comment: This sequence change replaces alanine, which is neutral and non-polar, with proline, which is neutral and non-polar, at codon 746 of the LAMC3 protein (p.Ala746Pro). This variant is not present in population databases (gnomAD no frequency). This variant has not been reported in the literature in individuals affected with LAMC3-related conditions. ClinVar contains an entry for this variant (Variation ID: 1361130). An algorithm developed to predict the effect of missense changes on protein structure and function (PolyPhen-2) suggests that this variant is likely to be disruptive. In summary, the available evidence is currently insufficient to determine the role of this variant in disease. Therefore, it has been classified as a Variant of Uncertain Significance.